The following is an entry in ClinVar:

NM_002485.5(NBN):c.481-3T>C

Gene: NBN (nibrin; minus strand). Cytogenetic location: 8q21.3.
Variant type: single nucleotide variant.
Coding change: c.481-3T>C on transcript NM_002485.5 (MANE Select); 3 bases into the intron before coding-DNA position 481, T replaced by C.
Molecular consequence: intron variant.
Genome position (GRCh38, 1-based): chr8:89,978,326, A>G on the plus strand (T>C on the coding strand, the complement: NBN is on the minus strand). VCF-style: chr8-89978326-A-G. GRCh37 (hg19) VCF-style: chr8-90990554-A-G.
Other names: c.235-3T>C (NM_001024688.3).
Identifiers: ClinVar variation 411743 (VCV000411743.10), dbSNP rs1060503456, ClinGen allele CA16612504.

ClinVar aggregate classification (germline): Uncertain significance. Review status: criteria provided, multiple submitters, no conflicts (2 of 4 stars). 2 submissions from 2 submitters: Uncertain significance (2). Last evaluated 2024-03-02.

Conditions:
Hereditary cancer-predisposing syndrome. Also called: Hereditary neoplastic syndrome; Neoplastic Syndromes, Hereditary; Tumor predisposition; Hereditary Cancer Syndrome. Identifiers: Orphanet 140162, MedGen C0027672, MeSH D009386, MONDO:0015356.
Microcephaly, normal intelligence and immunodeficiency (NBS). Also called: IMMUNODEFICIENCY, MICROCEPHALY, AND CHROMOSOMAL INSTABILITY; SEEMANOVA SYNDROME II; Immunodeficiency, microcephaly with normal intelligence; Ataxia telangiectasia variant V1; Nijmegen breakage syndrome; Microcephaly with normal intelligence immunodeficiency and lymphoreticular malignancies. Identifiers: Orphanet 647, MedGen C0398791, MONDO:0009623, OMIM 251260.

Submissions (2):

Labcorp Genetics (formerly Invitae), Labcorp
Classification: Uncertain significance for Microcephaly, normal intelligence and immunodeficiency. Last evaluated: 2024-03-02. Review status: criteria provided, single submitter. Criteria: Invitae Variant Classification Sherloc (09022015). Collection method: clinical testing. Allele origin: germline.
Comment: This sequence change falls in intron 4 of the NBN gene. It does not directly change the encoded amino acid sequence of the NBN protein. It affects a nucleotide within the consensus splice site. This variant is not present in population databases (gnomAD no frequency). This variant has not been reported in the literature in individuals affected with NBN-related conditions. ClinVar contains an entry for this variant (Variation ID: 411743). Variants that disrupt the consensus splice site are a relatively common cause of aberrant splicing (PMID: 17576681, 9536098). Algorithms developed to predict the effect of sequence changes on RNA splicing suggest that this variant is not likely to affect RNA splicing. In summary, the available evidence is currently insufficient to determine the role of this variant in disease. Therefore, it has been classified as a Variant of Uncertain Significance.

Ambry Genetics
Classification: Uncertain significance for Hereditary cancer-predisposing syndrome. Last evaluated: 2021-03-16. Review status: criteria provided, single submitter. Criteria: Ambry Variant Classification Scheme 2023. Collection method: clinical testing. Allele origin: germline.
Comment: The c.481-3T>C intronic variant results from a T to C substitution 3 nucleotides upstream from coding exon 5 in the NBN gene. This nucleotide position is not well conserved in available vertebrate species. In silico splice site analysis predicts that this alteration will not have any significant effect on splicing. Since supporting evidence is limited at this time, the clinical significance of this alteration remains unclear.

Literature cited by the submitters: PubMed 17576681 (cited by Labcorp Genetics (formerly Invitae), Labcorp); PubMed 9536098 (cited by Labcorp Genetics (formerly Invitae), Labcorp).